The following is an entry in ClinVar:

NM_001062.4(TCN1):c.557A>C (p.Asp186Ala)

Gene: TCN1 (transcobalamin 1; minus strand). Cytogenetic location: 11q12.1.
Variant type: single nucleotide variant.
Coding change: c.557A>C on transcript NM_001062.4 (MANE Select); coding-DNA position 557, A replaced by C.
Protein change: p.Asp186Ala; replaces aspartic acid 186 with alanine.
Molecular consequence: missense variant.
Genome position (GRCh38, 1-based): chr11:59,859,267, T>G on the plus strand (A>C on the coding strand, the complement: TCN1 is on the minus strand). VCF-style: chr11-59859267-T-G. GRCh37 (hg19) VCF-style: chr11-59626740-T-G.
Other names: short protein forms D186A.
Identifiers: ClinVar variation 1387853 (VCV001387853.8), dbSNP rs1346783372, ClinGen allele CA380807835.

ClinVar aggregate classification (germline): Uncertain significance (1 of 4 stars; one submission).

Conditions:
Transcobalamin I deficiency (TCN1D). Also called: COBALAMIN PSEUDODEFICIENCY DUE TO TRANSCOBALAMIN DEFICIENCY; COBALAMIN R BINDER PROTEIN DEFICIENCY; TCN1 DEFICIENCY. Identifiers: Orphanet 2967, MedGen C0342700, MONDO:0008659, OMIM 193090.

Submission:

Labcorp Genetics (formerly Invitae), Labcorp
Classification: Uncertain significance for Transcobalamin I deficiency. Last evaluated: 2025-02-24. Review status: criteria provided, single submitter. Criteria: Invitae Variant Classification Sherloc (09022015). Collection method: clinical testing. Allele origin: germline.
Comment: This sequence change replaces aspartic acid, which is acidic and polar, with alanine, which is neutral and non-polar, at codon 186 of the TCN1 protein (p.Asp186Ala). This variant is not present in population databases (gnomAD no frequency). This variant has not been reported in the literature in individuals affected with TCN1-related conditions. ClinVar contains an entry for this variant (Variation ID: 1387853). An algorithm developed to predict the effect of missense changes on protein structure and function (PolyPhen-2) suggests that this variant is likely to be disruptive. In summary, the available evidence is currently insufficient to determine the role of this variant in disease. Therefore, it has been classified as a Variant of Uncertain Significance.